The following is an entry in ClinVar:

NM_019885.4(CYP26B1):c.1231G>A (p.Val411Met)

Gene: CYP26B1 (cytochrome P450 family 26 subfamily B member 1; minus strand). Cytogenetic location: 2p13.2.
Variant type: single nucleotide variant.
Coding change: c.1231G>A on transcript NM_019885.4 (MANE Select); coding-DNA position 1231, G replaced by A.
Protein change: p.Val411Met; replaces valine 411 with methionine.
Molecular consequence: missense variant.
Genome position (GRCh38, 1-based): chr2:72,132,535, C>T on the plus strand (G>A on the coding strand, the complement: CYP26B1 is on the minus strand). VCF-style: chr2-72132535-C-T. GRCh37 (hg19) VCF-style: chr2-72359664-C-T.
Other names: c.1006G>A, p.Val336Met (NM_001277742.2); c.1231G>A (NM_019885.2); short protein forms V411M, V336M.
Identifiers: ClinVar variation 1409351 (VCV001409351.7), dbSNP rs182029240, ClinGen allele CA1707803.

ClinVar aggregate classification (germline): Uncertain significance. Review status: criteria provided, multiple submitters, no conflicts (2 of 4 stars). 2 submissions from 2 submitters: Uncertain significance (2). Last evaluated 2022-11-18.

Conditions:
Inborn genetic diseases. Identifiers: MedGen C0950123, MeSH D030342.

Allele frequency attached by ClinVar (database versions not stated): gnomAD exomes below 0.00001 and 0.00002; gnomAD 0.00001 and 0.00002; ExAC 0.00002; TOPMed 0.00004; 1000 Genomes Project 30x 0.00016; 1000 Genomes Project 0.00020.
gnomAD v4.1: 7 of 1,609,394 alleles (0.00043%); highest among the groups gnomAD compares: East Asian, 0.0045%; no homozygotes.

Submissions (2):

Ambry Genetics
Classification: Uncertain significance for Inborn genetic diseases. Last evaluated: 2022-11-18. Review status: criteria provided, single submitter. Criteria: Ambry Variant Classification Scheme 2023. Collection method: clinical testing. Allele origin: germline.

Labcorp Genetics (formerly Invitae), Labcorp
Classification: Uncertain significance. Last evaluated: 2022-01-13. Review status: criteria provided, single submitter. Criteria: Invitae Variant Classification Sherloc (09022015). Collection method: clinical testing. Allele origin: germline.
Comment: This sequence change replaces valine, which is neutral and non-polar, with methionine, which is neutral and non-polar, at codon 411 of the CYP26B1 protein (p.Val411Met). In summary, the available evidence is currently insufficient to determine the role of this variant in disease. Therefore, it has been classified as a Variant of Uncertain Significance. Algorithms developed to predict the effect of missense changes on protein structure and function are either unavailable or do not agree on the potential impact of this missense change (SIFT: "Deleterious"; PolyPhen-2: "Benign"; Align-GVGD: "Class C15"). This variant has not been reported in the literature in individuals affected with CYP26B1-related conditions. This variant is present in population databases (rs182029240, gnomAD 0.02%).